The following is an entry in ClinVar:

NM_001004334.4(GPR179):c.5248A>C (p.Lys1750Gln)

Gene: GPR179 (G protein-coupled receptor 179; minus strand). Cytogenetic location: 17q12.
Variant type: single nucleotide variant.
Coding change: c.5248A>C on transcript NM_001004334.4 (MANE Select); coding-DNA position 5248, A replaced by C.
Protein change: p.Lys1750Gln; replaces lysine 1750 with glutamine.
Molecular consequence: missense variant.
Genome position (GRCh38, 1-based): chr17:38,328,321, T>G on the plus strand (A>C on the coding strand, the complement: GPR179 is on the minus strand). VCF-style: chr17-38328321-T-G. GRCh37 (hg19) VCF-style: chr17-36484204-T-G.
Other names: short protein forms K1750Q.
Identifiers: ClinVar variation 2069739 (VCV002069739.4), dbSNP rs770464969, ClinGen allele CA290103681.
Genomic context (GRCh38, chr17:38,328,321, plus strand): 5'-CTGGACCCACACTCCCCCAGGGACAAGCCACCTCCCACTCTGGGGTTGGCTTCTGTGGCT[T>G]CTCTGGAGCAGTAACAGCTCTCTCCCTGGGTCCAAGATCTGCAGAAACCTTGCCTGTATC-3'
Protein context (NP_001004334.3, residues 1740-1760): PRERAVTAPE[Lys1750Gln]PQKPTPEWEV

ClinVar aggregate classification (germline): Uncertain significance (1 of 4 stars; one submission).

Allele frequency attached by ClinVar (database versions not stated): gnomAD exomes below 0.00001; ExAC 0.00001.
gnomAD v4.1: 1 of 1,614,054 alleles (0.000062%); highest among the groups gnomAD compares: Admixed American, 0.0017%; no homozygotes.

Submission:

Labcorp Genetics (formerly Invitae), Labcorp
Classification: Uncertain significance. Last evaluated: 2022-09-01. Review status: criteria provided, single submitter. Criteria: Invitae Variant Classification Sherloc (09022015). Collection method: clinical testing. Allele origin: germline.
Comment: This sequence change replaces lysine, which is basic and polar, with glutamine, which is neutral and polar, at codon 1750 of the GPR179 protein (p.Lys1750Gln). In summary, the available evidence is currently insufficient to determine the role of this variant in disease. Therefore, it has been classified as a Variant of Uncertain Significance. Algorithms developed to predict the effect of missense changes on protein structure and function (SIFT, PolyPhen-2, Align-GVGD) all suggest that this variant is likely to be tolerated. This variant has not been reported in the literature in individuals affected with GPR179-related conditions. This variant is present in population databases (rs770464969, gnomAD 0.003%).